The following is an entry in ClinVar:

NM_001170700.3(DTHD1):c.1310G>T (p.Gly437Val)

Gene: DTHD1 (death domain containing 1; plus strand). Cytogenetic location: 4p14.
Variant type: single nucleotide variant.
Coding change: c.1310G>T on transcript NM_001170700.3 (MANE Select); coding-DNA position 1310, G replaced by T.
Protein change: p.Gly437Val; replaces glycine 437 with valine.
Molecular consequence: missense variant. On other transcripts: non-coding transcript variant (2).
Genome position (GRCh38, 1-based): chr4:36,293,617, G>T. VCF-style: chr4-36293617-G-T. GRCh37 (hg19) VCF-style: chr4-36295239-G-T.
Other names: c.440G>T, p.Gly147Val (NM_001136536.5); c.377G>T, p.Gly126Val (NM_001378435.1); short protein forms G126V, G147V, G437V.
Identifiers: ClinVar variation 1000591 (VCV001000591.9), dbSNP rs1056021890, ClinGen allele CA95770607.

ClinVar aggregate classification (germline): Uncertain significance. Review status: criteria provided, multiple submitters, no conflicts (2 of 4 stars). 2 submissions from 2 submitters: Uncertain significance (2). Last evaluated 2024-10-03.

Allele frequency attached by ClinVar (database versions not stated): TOPMed 0.00002; gnomAD 0.00003 and 0.00004.
gnomAD v4.1: 78 of 1,549,158 alleles (0.005%); highest among the groups gnomAD compares: Middle Eastern, 0.033%; no homozygotes.

Submissions (2):

Labcorp Genetics (formerly Invitae), Labcorp
Classification: Uncertain significance. Last evaluated: 2024-10-03. Review status: criteria provided, single submitter. Criteria: Invitae Variant Classification Sherloc (09022015). Collection method: clinical testing. Allele origin: germline.
Comment: This sequence change replaces glycine, which is neutral and non-polar, with valine, which is neutral and non-polar, at codon 147 of the DTHD1 protein (p.Gly147Val). This variant is present in population databases (no rsID available, gnomAD 0.01%). This variant has not been reported in the literature in individuals affected with DTHD1-related conditions. ClinVar contains an entry for this variant (Variation ID: 1000591). An algorithm developed to predict the effect of missense changes on protein structure and function (PolyPhen-2) suggests that this variant is likely to be disruptive. In summary, the available evidence is currently insufficient to determine the role of this variant in disease. Therefore, it has been classified as a Variant of Uncertain Significance.

Greenwood Genetic Center Diagnostic Laboratories, Greenwood Genetic Center
Classification: Uncertain significance. Last evaluated: 2023-08-21. Review status: criteria provided, single submitter. Criteria: ACMG Guidelines, 2015. Collection method: clinical testing. Allele origin: germline. Affected: yes.
Comment: Gene of Uncertain Significance